The following is an entry in ClinVar:

ClinVar aggregate classification (germline): Benign/Likely benign. Review status: criteria provided, multiple submitters, no conflicts (2 of 4 stars). 3 submissions from 3 submitters: Benign (2); Likely benign (1). Last evaluated 2025-12-23.

Conditions:
Adult-onset autosomal dominant demyelinating leukodystrophy. Identifiers: Orphanet 99027, MedGen C1868512, MONDO:0008215.

Allele frequency attached by ClinVar (database versions not stated): 1000 Genomes Project 30x 0.00109; gnomAD 0.00115 and 0.00120; ExAC 0.00134; TOPMed 0.00138; 1000 Genomes Project 0.00140; ESP Exome Variant Server 0.00161.
gnomAD v4.1: 1,713 of 1,613,450 alleles (0.11%); highest among the groups gnomAD compares: South Asian, 0.26%; 6 homozygotes.

Submissions (3):

Labcorp Genetics (formerly Invitae), Labcorp
Classification: Benign. Last evaluated: 2025-12-23. Review status: criteria provided, single submitter. Criteria: Invitae Variant Classification Sherloc (09022015). Collection method: clinical testing. Allele origin: germline.

Blueprint Genetics
Classification: Likely benign. Last evaluated: 2024-11-25. Review status: criteria provided, single submitter. Criteria: ACMG Guidelines, 2015. Collection method: clinical testing. Allele origin: germline.

Illumina Laboratory Services, Illumina
Classification: Benign for Leukodystrophy, demyelinating, adult-onset, autosomal dominant, typical. Last evaluated: 2018-01-12. Review status: criteria provided, single submitter. Criteria: ICSL Variant Classification Criteria 13 December 2019. Collection method: clinical testing. Allele origin: germline.
Comment: This variant was observed in the ICSL laboratory as part of a predisposition screen in an ostensibly healthy population. It had not been previously curated by ICSL or reported in the Human Gene Mutation Database (HGMD: prior to June 1st, 2018), and was therefore a candidate for classification through an automated scoring system. Utilizing variant allele frequency, disease prevalence and penetrance estimates, and inheritance mode, an automated score was calculated to assess if this variant is too frequent to cause the disease. Based on the score and internal cut-off values, a variant classified as benign is not then subjected to further curation. The score for this variant resulted in a classification of benign for this disease.

NM_005573.4(LMNB1):c.1492-11G>T

Gene: LMNB1 (lamin B1; plus strand). Cytogenetic location: 5q23.2.
Variant type: single nucleotide variant.
Coding change: c.1492-11G>T on transcript NM_005573.4 (MANE Select); 11 bases into the intron before coding-DNA position 1492, G replaced by T.
Molecular consequence: intron variant.
Genome position (GRCh38, 1-based): chr5:126,825,977, G>T. VCF-style: chr5-126825977-G-T. GRCh37 (hg19) VCF-style: chr5-126161669-G-T.
Other names: c.862-11G>T (NM_001198557.2).
Identifiers: ClinVar variation 350619 (VCV000350619.13), dbSNP rs201050320, ClinGen allele CA3390736.